The following is an entry in ClinVar:

NM_015335.5(MED13L):c.5716C>T (p.His1906Tyr)

Gene: MED13L (mediator complex subunit 13L; minus strand). Cytogenetic location: 12q24.21.
Variant type: single nucleotide variant.
Coding change: c.5716C>T on transcript NM_015335.5 (MANE Select); coding-DNA position 5716, C replaced by T.
Protein change: p.His1906Tyr; replaces histidine 1906 with tyrosine.
Molecular consequence: missense variant.
Genome position (GRCh38, 1-based): chr12:115,975,186, G>A on the plus strand (C>T on the coding strand, the complement: MED13L is on the minus strand). VCF-style: chr12-115975186-G-A. GRCh37 (hg19) VCF-style: chr12-116412991-G-A.
Other names: c.5716C>T (NM_015335.4); short protein forms H1906Y.
Identifiers: ClinVar variation 1044216 (VCV001044216.10), dbSNP rs1876852244, ClinGen allele CA386878129.
Genomic context (GRCh38, chr12:115,975,186, plus strand): 5'-CCTTTTCCTCTGTCTTCTGCAAATACTTCTTCAAAAATTTCTCACCTTTAAGCTCCCCAT[G>A]GCCAAGACGCCCAAGTCGCCCGATTACAACTCTCCAGGGTAGAGATGTCATTTGGACAAT-3'
Protein context (NP_056150.1, residues 1896-1916): VVIGRLGRLG[His1906Tyr]GELKDWSILL

ClinVar aggregate classification (germline): Uncertain significance. Review status: criteria provided, multiple submitters, no conflicts (2 of 4 stars). 2 submissions from 2 submitters: Uncertain significance (2). Last evaluated 2024-06-18.

Conditions:
Inborn genetic diseases. Identifiers: MedGen C0950123, MeSH D030342.
Dextro-looped transposition of the great arteries. Also called: Dextrotransposition of the great arteries. Identifiers: Orphanet 860, MedGen C3531771, MONDO:0019443, OMIM 608808, HP:0031348.

Submissions (2):

Ambry Genetics
Classification: Uncertain significance for Inborn genetic diseases. Last evaluated: 2024-06-18. Review status: criteria provided, single submitter. Criteria: Ambry Variant Classification Scheme 2023. Collection method: clinical testing. Allele origin: germline.

Labcorp Genetics (formerly Invitae), Labcorp
Classification: Uncertain significance for Dextro-looped transposition of the great arteries. Last evaluated: 2020-07-07. Review status: criteria provided, single submitter. Criteria: Invitae Variant Classification Sherloc (09022015). Collection method: clinical testing. Allele origin: germline.
Comment: Algorithms developed to predict the effect of missense changes on protein structure and function (SIFT, PolyPhen-2, Align-GVGD) all suggest that this variant is likely to be disruptive, but these predictions have not been confirmed by published functional studies and their clinical significance is uncertain. This variant has not been reported in the literature in individuals with MED13L-related conditions. This variant is not present in population databases (ExAC no frequency). This sequence change replaces histidine with tyrosine at codon 1906 of the MED13L protein (p.His1906Tyr). The histidine residue is highly conserved and there is a moderate physicochemical difference between histidine and tyrosine. In summary, the available evidence is currently insufficient to determine the role of this variant in disease. Therefore, it has been classified as a Variant of Uncertain Significance.